The following is an entry in ClinVar:

ClinVar aggregate classification (germline): Pathogenic/Likely pathogenic. Review status: criteria provided, multiple submitters, no conflicts (2 of 4 stars). 2 submissions from 2 submitters: Pathogenic (1); Likely pathogenic (1). Last evaluated 2023-11-17.

Conditions:
Deficiency of alpha-mannosidase (MANSA). Also called: LYSOSOMAL ALPHA-D-MANNOSIDASE DEFICIENCY; Mannosidosis, alpha-, types I and II; Alpha-Mannosidosis. Identifiers: Orphanet 61, MedGen C0024748, MONDO:0009561, OMIM 248500.

Submissions (2):

Labcorp Genetics (formerly Invitae), Labcorp
Classification: Pathogenic for Deficiency of alpha-mannosidase. Last evaluated: 2023-11-17. Review status: criteria provided, single submitter. Criteria: Invitae Variant Classification Sherloc (09022015). Collection method: clinical testing. Allele origin: germline.
Comment: This sequence change creates a premature translational stop signal (p.Gln667*) in the MAN2B1 gene. It is expected to result in an absent or disrupted protein product. Loss-of-function variants in MAN2B1 are known to be pathogenic (PMID: 9915946, 22161967). This variant is not present in population databases (gnomAD no frequency). This variant has not been reported in the literature in individuals affected with MAN2B1-related conditions. ClinVar contains an entry for this variant (Variation ID: 2022365). Algorithms developed to predict the effect of sequence changes on RNA splicing suggest that this variant may disrupt the consensus splice site. For these reasons, this variant has been classified as Pathogenic.

Juno Genomics, Hangzhou Juno Genomics, Inc
Classification: Likely pathogenic for Deficiency of alpha-mannosidase. Review status: criteria provided, single submitter. Criteria: ACMG Guidelines, 2015. Collection method: clinical testing. Allele origin: germline.
Comment: Null variant in a gene where loss of function (LOF) is a known mechanism of disease.;Absent from controls (or at extremely low frequency if recessive) in Genome Aggregation Database.

Literature cited by the submitters: PubMed 9915946 (cited by Labcorp Genetics (formerly Invitae), Labcorp); PubMed 22161967 (cited by Labcorp Genetics (formerly Invitae), Labcorp).

NM_000528.4(MAN2B1):c.1999C>T (p.Gln667Ter)

Gene: MAN2B1 (mannosidase alpha class 2B member 1; minus strand). Cytogenetic location: 19p13.13.
Variant type: single nucleotide variant.
Coding change: c.1999C>T on transcript NM_000528.4 (MANE Select); coding-DNA position 1999, C replaced by T.
Protein change: p.Gln667Ter; replaces glutamine 667 with a stop codon.
Molecular consequence: nonsense.
Genome position (GRCh38, 1-based): chr19:12,652,200, G>A on the plus strand (C>T on the coding strand, the complement: MAN2B1 is on the minus strand). VCF-style: chr19-12652200-G-A. GRCh37 (hg19) VCF-style: chr19-12763014-G-A.
Other names: c.1996C>T, p.Gln666Ter (NM_001173498.2); short protein forms Q667*, Q666*.
Identifiers: ClinVar variation 2022365 (VCV002022365.6), dbSNP rs2512492578, ClinGen allele CA404244071.